The following is an entry in ClinVar:

ClinVar aggregate classification (germline): Conflicting classifications of pathogenicity. Review status: criteria provided, conflicting classifications (1 of 4 stars). 3 submissions from 3 submitters: Uncertain significance (1); Benign (1); Likely benign (1). Last evaluated 2026-01-05.

Conditions:
COG7 congenital disorder of glycosylation (CDG2E). Also called: CONGENITAL DISORDER OF GLYCOSYLATION, TYPE IIe; CDG IIe. Identifiers: Orphanet 79333, MedGen C2931010, MONDO:0012118, OMIM 608779.

Allele frequency attached by ClinVar (database versions not stated): gnomAD 0.00124; TOPMed 0.00165; ESP Exome Variant Server 0.00192; 1000 Genomes Project 0.00300; 1000 Genomes Project 30x 0.00312.
gnomAD v4.1: 460 of 1,613,052 alleles (0.029%); highest among the groups gnomAD compares: African/African-American, 0.55%; no homozygotes.

Submissions (3):

Labcorp Genetics (formerly Invitae), Labcorp
Classification: Benign for COG7 congenital disorder of glycosylation. Last evaluated: 2026-01-05. Review status: criteria provided, single submitter. Criteria: Invitae Variant Classification Sherloc (09022015). Collection method: clinical testing. Allele origin: germline.

Illumina Laboratory Services, Illumina
Classification: Uncertain significance for COG7 congenital disorder of glycosylation. Last evaluated: 2018-01-12. Review status: criteria provided, single submitter. Criteria: ICSL Variant Classification Criteria 13 December 2019. Collection method: clinical testing. Allele origin: germline.

GeneDx
Classification: Likely benign. Last evaluated: 2017-07-11. Review status: criteria provided, single submitter. Criteria: GeneDx Variant Classification (06012015). Collection method: clinical testing. Allele origin: germline. Affected: yes.
Comment: This variant is considered likely benign or benign based on one or more of the following criteria: it is a conservative change, it occurs at a poorly conserved position in the protein, it is predicted to be benign by multiple in silico algorithms, and/or has population frequency not consistent with disease.

NM_153603.4(COG7):c.1137+11A>C

Gene: COG7 (component of oligomeric golgi complex 7; minus strand). Cytogenetic location: 16p12.2.
Variant type: single nucleotide variant.
Coding change: c.1137+11A>C on transcript NM_153603.4 (MANE Select); 11 bases into the intron after coding-DNA position 1137, A replaced by C.
Molecular consequence: intron variant.
Genome position (GRCh38, 1-based): chr16:23,418,689, T>G on the plus strand (A>C on the coding strand, the complement: COG7 is on the minus strand). VCF-style: chr16-23418689-T-G. GRCh37 (hg19) VCF-style: chr16-23430010-T-G.
Identifiers: ClinVar variation 318478 (VCV000318478.12), dbSNP rs74012174, ClinGen allele CA7961076.